The following is an entry in ClinVar:

NM_003128.3(SPTBN1):c.461T>G (p.Ile154Ser)

Gene: SPTBN1 (spectrin beta, non-erythrocytic 1; plus strand). Cytogenetic location: 2p16.2.
Variant type: single nucleotide variant.
Coding change: c.461T>G on transcript NM_003128.3 (MANE Select); coding-DNA position 461, T replaced by G.
Protein change: p.Ile154Ser; replaces isoleucine 154 with serine.
Molecular consequence: missense variant.
Genome position (GRCh38, 1-based): chr2:54,612,321, T>G. VCF-style: chr2-54612321-T-G. GRCh37 (hg19) VCF-style: chr2-54839458-T-G.
Other names: c.422T>G, p.Ile141Ser (NM_178313.3); short protein forms I141S, I154S.
Identifiers: ClinVar variation 3365618 (VCV003365618.1).
Genomic context (GRCh38, chr2:54,612,321, plus strand): 5'-GGTCCCATGACATCGTGGATGGAAACCACCGGCTGACCCTTGGCCTCATCTGGACCATCA[T>G]CCTGCGCTTCCAGGTAAGGGTCTCTGCCCAGGGTTGCTCAGAACTTAGGCCGACCTCTCA-3'
Protein context (NP_003119.2, residues 144-164): RLTLGLIWTI[Ile154Ser]LRFQIQDISV

ClinVar aggregate classification (germline): Uncertain significance (1 of 4 stars; one submission).

Submission:

GeneDx
Classification: Uncertain significance. Last evaluated: 2023-12-14. Review status: criteria provided, single submitter. Criteria: GeneDx Variant Classification Process June 2021. Collection method: clinical testing. Allele origin: germline. Affected: yes.
Comment: Not observed at significant frequency in large population cohorts (gnomAD); In silico analysis supports that this missense variant has a deleterious effect on protein structure/function; Has not been previously published as pathogenic or benign to our knowledge